The following is an entry in ClinVar:

NM_007294.4(BRCA1):c.302-167_441+3del

Gene: BRCA1 (BRCA1 DNA repair associated; minus strand). Cytogenetic location: 17q21.31.
Variant type: Deletion.
Coding change: c.302-167_441+3del on transcript NM_007294.4 (MANE Select); 167 bases into the intron before coding-DNA position 302 through 3 bases into the intron after coding-DNA position 441, 310 bases deleted.
Molecular consequence: splice acceptor variant, splice donor variant. On other transcripts: intron variant (2), initiator codon variant (7).
Genome position (GRCh38, 1-based): chr17:43,104,119-43,104,428, 310 bases deleted. GRCh37 (hg19): chr17:41,256,136-41,256,445.
Other names: c.161-167_300+3del (NM_001407745.1, NM_001407922.1, NM_001408469.1 and 99 more transcripts); c.302-167_441+3del (NM_001407940.1, NM_001407671.1, NM_001407649.1 and 164 more transcripts); c.92-167_231+3del (NM_001407886.1, NM_001407898.1, NM_001407881.1 and 58 more transcripts); c.170-167_309+3del (NM_001408451.1); c.224-167_363+3del (NM_001408475.1, NM_001407875.1, NM_001407659.1 and 21 more transcripts); c.293-167_432+3del (NM_001408408.1, NM_001407647.1, NM_001407646.1); c.-218-9568_-218-9259del (NM_001407966.1, NM_001407967.1); c.-80-167_60+3del (NM_001407963.1, NM_001407960.1, NM_001407965.1 and 4 more transcripts).
Identifiers: ClinVar variation 1048853 (VCV001048853.3), dbSNP rs2154548547, ClinGen allele CA2499224610.

ClinVar aggregate classification (germline): Pathogenic (0 of 4 stars; one submission).

Conditions:
Malignant tumor of breast. Also called: Malignant breast neoplasm; Cancer breast. Identifiers: MedGen C0006142, MONDO:0007254. Disease mechanism: loss of function.

Submission:

Department of Pathology and Laboratory Medicine, Sinai Health System
Classification: Pathogenic for Malignant tumor of breast. Review status: no assertion criteria provided. Collection method: clinical testing. Allele origin: unknown. Affected: yes. Study: The Canadian Open Genetics Repository (COGR).
Comment: The c.135-?_c.441+?del deletion variant encompasses Exons 05-07 of the BRCA1 gene and has been previously reported in the literature in at least 4 of 1746 probands from families with hereditary breast and ovarian cancer (Hanson 2009; Sluiter 2011, Palanca 2008, Agata 2006, Preisler-Adams 2006). The variant was identified in British, German and Italian families. In one study the breakpoints were determined: g.18296_23289del4994 (c.136-623_441+1959del4994) and the deletion introduced a frameshift predicted to result in truncation at codon 163 (Hanson 2009). The breakpoint is different from those reported in other studies. In one study the deletion was reported as p.Lys45_Lys147delinsAsnfsX162 (Preisler-Adams 2006) whereas our in-silico prediction software predicts a protein product of: p.Lys45AsnfsX16. The breakpoints and corresponding mRNA or protein product in the individual reported here was not determined. However, the c.135-?_c.441+?del deletion is predicted to lead to a premature stop codon and a truncated or absent protein product and loss of function. Loss of function variants of the BRCA1 gene are an established mechanism of hereditary breast and ovarian cancer and related malignancies. In summary, based on the above information, this variant is classified as pathogenic.